The following is an entry in ClinVar:

ClinVar aggregate classification (germline): Uncertain significance (1 of 4 stars; one submission).

Conditions:
Saldino-Mainzer syndrome (SRTD9). Also called: CONORENAL SYNDROME; Renal dysplasia, retinal pigmentary dystrophy, cerebellar ataxia and skeletal dysplasia; short-rib thoracic dysplasia 9 with or without polydactyly; SHORT-RIB THORACIC DYSPLASIA 9 WITHOUT POLYDACTYLY. Identifiers: Orphanet 140969, MedGen C1849437, MONDO:0009964, OMIM 266920.

gnomAD v4.1: 4 of 1,610,116 alleles (0.00025%); highest among the groups gnomAD compares: South Asian, 0.0033%; no homozygotes.

Submission:

Labcorp Genetics (formerly Invitae), Labcorp
Classification: Uncertain significance for Saldino-Mainzer syndrome. Last evaluated: 2020-01-03. Review status: criteria provided, single submitter. Criteria: Invitae Variant Classification Sherloc (09022015). Collection method: clinical testing. Allele origin: germline.
Comment: This variant has not been reported in the literature in individuals with IFT140-related conditions. Algorithms developed to predict the effect of missense changes on protein structure and function are either unavailable or do not agree on the potential impact of this missense change (SIFT: "Deleterious"; PolyPhen-2: "Probably Damaging"; Align-GVGD: "Class C0"). In summary, the available evidence is currently insufficient to determine the role of this variant in disease. Therefore, it has been classified as a Variant of Uncertain Significance. This variant is present in population databases (rs780661065, ExAC 0.02%). This sequence change replaces arginine with proline at codon 809 of the IFT140 protein (p.Arg809Pro). The arginine residue is moderately conserved and there is a moderate physicochemical difference between arginine and proline.

NM_014714.4(IFT140):c.2426G>C (p.Arg809Pro)

Gene: IFT140 (intraflagellar transport 140; minus strand). Cytogenetic location: 16p13.3.
Variant type: single nucleotide variant.
Coding change: c.2426G>C on transcript NM_014714.4 (MANE Select); coding-DNA position 2426, G replaced by C.
Protein change: p.Arg809Pro; replaces arginine 809 with proline.
Molecular consequence: missense variant.
Genome position (GRCh38, 1-based): chr16:1,526,770, C>G on the plus strand (G>C on the coding strand, the complement: IFT140 is on the minus strand). VCF-style: chr16-1526770-C-G. GRCh37 (hg19) VCF-style: chr16-1576771-C-G.
Other names: short protein forms R809P.
Identifiers: ClinVar variation 1045701 (VCV001045701.9), dbSNP rs780661065, ClinGen allele CA7813629.